The following is an entry in ClinVar:

ClinVar aggregate classification (germline): Likely benign. Review status: criteria provided, multiple submitters, no conflicts (2 of 4 stars). 3 submissions from 3 submitters: Likely benign (3). Last evaluated 2026-01-16.

Conditions:
Hereditary cancer-predisposing syndrome. Also called: Hereditary Cancer Syndrome; Hereditary neoplastic syndrome; Neoplastic Syndromes, Hereditary; Tumor predisposition. Identifiers: Orphanet 140162, MedGen C0027672, MeSH D009386, MONDO:0015356.
Hereditary breast ovarian cancer syndrome. Also called: Hereditary breast and ovarian cancer syndrome; Hereditary breast and ovarian cancer; Breast and ovarian cancer; BRCA1- and BRCA2-Associated Hereditary Breast and Ovarian Cancer; Hereditary breast and/or ovarian cancer syndrome; Hereditary breast and ovarian cancer syndrome (HBOC). Identifiers: Orphanet 145, MedGen C0677776, MeSH D061325, MONDO:0003582. Disease mechanism: loss of function.

Submissions (3):

Labcorp Genetics (formerly Invitae), Labcorp
Classification: Likely benign for Hereditary breast ovarian cancer syndrome. Last evaluated: 2026-01-16. Review status: criteria provided, single submitter. Criteria: Invitae Variant Classification Sherloc (09022015). Collection method: clinical testing. Allele origin: germline.

Color Diagnostics, LLC DBA Color Health
Classification: Likely benign for Hereditary cancer-predisposing syndrome. Last evaluated: 2017-12-18. Review status: criteria provided, single submitter. Criteria: ACMG Guidelines, 2015. Collection method: clinical testing. Allele origin: germline.

GeneDx
Classification: Likely benign. Last evaluated: 2016-06-08. Review status: criteria provided, single submitter. Criteria: GeneDx Variant Classification (06012015). Collection method: clinical testing. Allele origin: germline. Affected: yes.
Comment: This variant is considered likely benign or benign based on one or more of the following criteria: it is a conservative change, it occurs at a poorly conserved position in the protein, it is predicted to be benign by multiple in silico algorithms, and/or has population frequency not consistent with disease.

NM_000059.4(BRCA2):c.6937+16T>C

Gene: BRCA2 (BRCA2 DNA repair associated; plus strand). Cytogenetic location: 13q13.1.
Variant type: single nucleotide variant.
Coding change: c.6937+16T>C on transcript NM_000059.4 (MANE Select); 16 bases into the intron after coding-DNA position 6937, T replaced by C.
Molecular consequence: intron variant.
Genome position (GRCh38, 1-based): chr13:32,344,669, T>C. VCF-style: chr13-32344669-T-C. GRCh37 (hg19) VCF-style: chr13-32918806-T-C.
Identifiers: ClinVar variation 386846 (VCV000386846.12), dbSNP rs1057522620, ClinGen allele CA16606694.